The following is an entry in ClinVar:

NM_018297.4(NGLY1):c.586G>T (p.Ala196Ser)

Gene: NGLY1 (N-glycanase 1; minus strand). Cytogenetic location: 3p24.2.
Variant type: single nucleotide variant.
Coding change: c.586G>T on transcript NM_018297.4 (MANE Select); coding-DNA position 586, G replaced by T.
Protein change: p.Ala196Ser; replaces alanine 196 with serine.
Molecular consequence: missense variant.
Genome position (GRCh38, 1-based): chr3:25,751,170, C>A on the plus strand (G>T on the coding strand, the complement: NGLY1 is on the minus strand). VCF-style: chr3-25751170-C-A. GRCh37 (hg19) VCF-style: chr3-25792661-C-A.
Other names: c.586G>T, p.Ala196Ser (NM_001145293.2, NM_001145295.2); c.460G>T, p.Ala154Ser (NM_001145294.2); c.586G>T (NM_018297.3); short protein forms A196S, A154S.
Identifiers: ClinVar variation 1036003 (VCV001036003.3), dbSNP rs1706727828, ClinGen allele CA351905993.
Genomic context (GRCh38, chr3:25,751,170, plus strand): 5'-TTCTAGCTCTCGATAACTTTTCTTGTGATTTCCTTTTTAGTTCTTGGACCGGAATACAAG[C>A]CAACGCTTTCTCCTGAAGAGCAGGATTTTCATAGACCAGCACATGCTGAATGTTGGACTG-3'
Protein context (NP_060767.2, residues 186-206): ENPALQEKAL[Ala196Ser]CIPVQELKRK

ClinVar aggregate classification (germline): Uncertain significance. Review status: criteria provided, multiple submitters, no conflicts (2 of 4 stars). 2 submissions from 2 submitters: Uncertain significance (2). Last evaluated 2024-08-01.

Conditions:
Congenital disorder of deglycosylation (CDDG). Identifiers: MedGen C3808991, MONDO:0031376.
Inborn genetic diseases. Identifiers: MedGen C0950123, MeSH D030342.

Submissions (2):

Ambry Genetics
Classification: Uncertain significance for Inborn genetic diseases. Last evaluated: 2024-08-01. Review status: criteria provided, single submitter. Criteria: Ambry Variant Classification Scheme 2023. Collection method: clinical testing. Allele origin: germline.

Labcorp Genetics (formerly Invitae), Labcorp
Classification: Uncertain significance for Congenital disorder of deglycosylation. Last evaluated: 2021-09-01. Review status: criteria provided, single submitter. Criteria: Invitae Variant Classification Sherloc (09022015). Collection method: clinical testing. Allele origin: germline.
Comment: This sequence change replaces alanine with serine at codon 196 of the NGLY1 protein (p.Ala196Ser). The alanine residue is weakly conserved and there is a moderate physicochemical difference between alanine and serine. This variant is not present in population databases (ExAC no frequency). This variant has not been reported in the literature in individuals affected with NGLY1-related conditions. Algorithms developed to predict the effect of missense changes on protein structure and function (SIFT, PolyPhen-2, Align-GVGD) all suggest that this variant is likely to be tolerated. In summary, the available evidence is currently insufficient to determine the role of this variant in disease. Therefore, it has been classified as a Variant of Uncertain Significance.